The following is an entry in ClinVar:

NM_000303.3(PMM2):c.124G>A (p.Gly42Arg)

Gene: PMM2 (phosphomannomutase 2; plus strand). Cytogenetic location: 16p13.2.
Variant type: single nucleotide variant.
Coding change: c.124G>A on transcript NM_000303.3 (MANE Select); coding-DNA position 124, G replaced by A.
Protein change: p.Gly42Arg; replaces glycine 42 with arginine.
Molecular consequence: missense variant.
Genome position (GRCh38, 1-based): chr16:8,801,856, G>A. VCF-style: chr16-8801856-G-A. GRCh37 (hg19) VCF-style: chr16-8895713-G-A.
Other names: short protein forms G42R.
Identifiers: ClinVar variation 555844 (VCV000555844.22), dbSNP rs755402538, ClinGen allele CA7893895.

ClinVar aggregate classification (germline): Conflicting classifications of pathogenicity. Review status: criteria provided, conflicting classifications (1 of 4 stars). 8 submissions from 8 submitters: Likely pathogenic (4); Uncertain significance (3). 1 of the submissions does not count toward it. Last evaluated 2026-08-10.

Conditions:
PMM2-congenital disorder of glycosylation. Also called: PMM2-CDG; CARBOHYDRATE-DEFICIENT GLYCOPROTEIN SYNDROME, TYPE Ia; Congenital disorder of glycosylation, type Ia; CDG Ia; JAEKEN SYNDROME; PHOSPHOMANNOMUTASE 2 DEFICIENCY. Identifiers: Orphanet 79318, MedGen C0349653, MONDO:0008907, OMIM 212065.

Allele frequency attached by ClinVar (database versions not stated): gnomAD 0.00001; TOPMed 0.00001; ExAC 0.00002; gnomAD exomes 0.00002.
gnomAD v4.1: 25 of 1,612,194 alleles (0.0016%); highest among the groups gnomAD compares: Non-Finnish European, 0.002%; no homozygotes.

Submissions (8):

Myriad Genetics, Inc.
Classification: Uncertain significance for PMM2-congenital disorder of glycosylation. Last evaluated: 2026-08-10. Review status: criteria provided, single submitter. Criteria: Myriad Autosomal Dominant, Autosomal Recessive and X-Linked Classification Criteria (2023). Collection method: clinical testing. Allele origin: unknown.
Comment: NM_000303.2(PMM2):c.124G>A(G42R) is a missense variant classified as a variant of uncertain significance in the context of congenital disorder of glycosylation, PMM2-related. G42R has been observed in cases with relevant disease (PMID: 12357336, Ginevrino_2019(Thesis), 15844218). Relevant functional assessments of this variant are not available in the literature. G42R has been observed in referenced population frequency databases. In summary, there is insufficient evidence to classify NM_000303.2(PMM2):c.124G>A(G42R) as pathogenic or benign. Please note: this variant was assessed in the context of healthy population screening.

GeneDx
Classification: Uncertain significance. Last evaluated: 2026-01-28. Review status: criteria provided, single submitter. Criteria: GeneDx Variant Classification Process June 2021. Collection method: clinical testing. Allele origin: germline. Affected: yes.
Comment: Reported heterozygous in an individual with CDG-1A and intermediated phosphomannomutase activity (PMID: 15844218); Reported in a patient with CDG-1a who also harbored a second missense variant (PMID: 12357336); Not observed at significant frequency in large population cohorts (gnomAD); In silico analysis supports that this missense variant has a deleterious effect on protein structure/function; This variant is associated with the following publications: (PMID: 25525159, 34426522, 16009061, 32457805, 35281664, 15844218, 12357336, 38550576)

Labcorp Genetics (formerly Invitae), Labcorp
Classification: Likely pathogenic for PMM2-congenital disorder of glycosylation. Last evaluated: 2025-12-22. Review status: criteria provided, single submitter. Criteria: Invitae Variant Classification Sherloc (09022015). Collection method: clinical testing. Allele origin: germline.
Comment: This sequence change replaces glycine, which is neutral and non-polar, with arginine, which is basic and polar, at codon 42 of the PMM2 protein (p.Gly42Arg). This variant is present in population databases (rs755402538, gnomAD 0.003%). This missense change has been observed in individual(s) with congenital disorder of glycosylation type 1a (PMID: 12357336, 15844218). ClinVar contains an entry for this variant (Variation ID: 555844). Invitae Evidence Modeling of protein sequence and biophysical properties (such as structural, functional, and spatial information, amino acid conservation, physicochemical variation, residue mobility, and thermodynamic stability) indicates that this missense variant is expected to disrupt PMM2 protein function with a positive predictive value of 95%. In summary, the currently available evidence indicates that the variant is pathogenic, but additional data are needed to prove that conclusively. Therefore, this variant has been classified as Likely Pathogenic.

Natera, Inc.
Classification: Likely pathogenic for Congenital disorder of glycosylation type 1a. Last evaluated: 2025-10-28. Review status: criteria provided, single submitter. Criteria: Natera Variant Classification Schema (03/2026). Collection method: clinical testing. Allele origin: germline.
Comment: The c.124G>A variant in PMM2 is a missense variant predicted to cause substitution of glycine to arginine at amino acid 42. This variant is rare in the general population with a frequency below the threshold expected for the associated phenotype(s). This variant has been observed in one or more individuals affected with the associated recessive disease, as either homozygous or compound heterozygous with a second variant (PMID: 35281664, 12357336, 15844218). Computational prediction algorithms indicate this variant is likely to affect gene or protein function. Given the available evidence, this variant is classified as Likely Pathogenic.

Women's Health and Genetics/Laboratory Corporation of America, LabCorp
Classification: Likely pathogenic for PMM2-congenital disorder of glycosylation. Last evaluated: 2025-08-26. Review status: criteria provided, single submitter. Criteria: LabCorp Variant Classification Summary - May 2015. Collection method: clinical testing. Allele origin: germline.
Comment: Variant summary: PMM2 c.124G>A (p.Gly42Arg) results in a non-conservative amino acid change in the encoded protein sequence. Algorithms developed to predict the effect of missense changes on protein structure and function all suggest that this variant is likely to be disruptive. The variant allele was found at a frequency of 2e-05 in 249876 control chromosomes. c.124G>A has been reported in the literature in compound heterozygous individuals affected with Congenital Disorder Of Glycosylation Type 1a (e.g. Schollen_2002, Tiwary_2022). In addition, Le Bizec et al (2005) describe a heterozygote individual with the variant exhibiting intermediate PMM activity. These data indicate that the variant may be associated with disease. ClinVar contains an entry for this variant (Variation ID: 555844). Based on the evidence outlined above, the variant was classified as likely pathogenic.

Blueprint Genetics
Classification: Uncertain significance. Last evaluated: 2024-10-07. Review status: criteria provided, single submitter. Criteria: ACMG Guidelines, 2015. Collection method: clinical testing. Allele origin: germline.

Fulgent Genetics
Classification: Likely pathogenic for PMM2-congenital disorder of glycosylation. Last evaluated: 2024-03-24. Review status: criteria provided, single submitter. Criteria: ACMG Guidelines, 2015. Collection method: clinical testing. Allele origin: germline.

Counsyl
Classification: Uncertain significance for PMM2-congenital disorder of glycosylation. Last evaluated: 2017-12-28. Review status: no assertion criteria provided. Collection method: clinical testing. Allele origin: unknown. Not counted in ClinVar's aggregate classification.

Literature cited by the submitters: PubMed 12357336 (cited by 4 submitters); PubMed 15844218 (cited by 4 submitters); PubMed 35281664 (cited by Natera, Inc.); PubMed 32457805 (cited by Women's Health and Genetics/Laboratory Corporation of America, LabCorp).